The following is an entry in ClinVar:

NM_018451.5(CPAP):c.1406C>T (p.Ser469Phe)

Gene: CPAP (centrosome assembly and centriole elongation protein; minus strand). Cytogenetic location: 13q12.13.
Variant type: single nucleotide variant.
Coding change: c.1406C>T on transcript NM_018451.5 (MANE Select); coding-DNA position 1406, C replaced by T.
Protein change: p.Ser469Phe; replaces serine 469 with phenylalanine.
Molecular consequence: missense variant. On other transcripts: non-coding transcript variant (2).
Genome position (GRCh38, 1-based): chr13:24,906,632, G>A on the plus strand (C>T on the coding strand, the complement: CPAP is on the minus strand). VCF-style: chr13-24906632-G-A. GRCh37 (hg19) VCF-style: chr13-25480770-G-A.
Other names: short protein forms S469F.
Identifiers: ClinVar variation 1368453 (VCV001368453.8), dbSNP rs752413427, ClinGen allele CA6919764.
Genomic context (GRCh38, chr13:24,906,632, plus strand): 5'-ATCTGGTCTCTAAACTGCCCATCACATTTCTTCCCCGTCTGTATTTTCAATCCTGACGGA[G>A]AAAGACTTTTCCTGTTACTACACTTCAGCATTTTCGGCTTCTGACTGAGGGTGACAGAAC-3'
Protein context (NP_060921.3, residues 459-479): MLKCSNRKSL[Ser469Phe]PSGLKIQTGK

ClinVar aggregate classification (germline): Uncertain significance (1 of 4 stars; one submission).

Allele frequency attached by ClinVar (database versions not stated): gnomAD 0.00001; TOPMed 0.00002.
gnomAD v4.1: 1 of 1,614,100 alleles (0.000062%); highest among the groups gnomAD compares: African/African-American, 0.0013%; no homozygotes.

Submission:

Labcorp Genetics (formerly Invitae), Labcorp
Classification: Uncertain significance. Last evaluated: 2021-07-26. Review status: criteria provided, single submitter. Criteria: Invitae Variant Classification Sherloc (09022015). Collection method: clinical testing. Allele origin: germline.
Comment: This variant is present in population databases (rs752413427, ExAC 0.01%). This sequence change replaces serine with phenylalanine at codon 469 of the CENPJ protein (p.Ser469Phe). The serine residue is weakly conserved and there is a large physicochemical difference between serine and phenylalanine. This variant has not been reported in the literature in individuals affected with CENPJ-related conditions. In summary, the available evidence is currently insufficient to determine the role of this variant in disease. Therefore, it has been classified as a Variant of Uncertain Significance. Algorithms developed to predict the effect of missense changes on protein structure and function output the following: SIFT: "Tolerated"; PolyPhen-2: "Benign"; Align-GVGD: "Class C0". The phenylalanine amino acid residue is found in multiple mammalian species, which suggests that this missense change does not adversely affect protein function.